The following is an entry in ClinVar:

NM_017617.5(NOTCH1):c.260G>A (p.Cys87Tyr)

Gene: NOTCH1 (notch receptor 1; minus strand). Cytogenetic location: 9q34.3.
Variant type: single nucleotide variant.
Coding change: c.260G>A on transcript NM_017617.5 (MANE Select); coding-DNA position 260, G replaced by A.
Protein change: p.Cys87Tyr; replaces cysteine 87 with tyrosine.
Molecular consequence: missense variant.
Genome position (GRCh38, 1-based): chr9:136,523,860, C>T on the plus strand (G>A on the coding strand, the complement: NOTCH1 is on the minus strand). VCF-style: chr9-136523860-C-T. GRCh37 (hg19) VCF-style: chr9-139418312-C-T.
Other names: short protein forms C87Y.
Identifiers: ClinVar variation 3012950 (VCV003012950.3), dbSNP rs2133379435, ClinGen allele CA375572891.

ClinVar aggregate classification (germline): Uncertain significance (1 of 4 stars; one submission).

Conditions:
Adams-Oliver syndrome 5 (AOS5). Identifiers: Orphanet 974, MedGen C4014970, MONDO:0014459, OMIM 616028.

Submission:

Labcorp Genetics (formerly Invitae), Labcorp
Classification: Uncertain significance for Adams-Oliver syndrome 5. Last evaluated: 2024-01-30. Review status: criteria provided, single submitter. Criteria: Invitae Variant Classification Sherloc (09022015). Collection method: clinical testing. Allele origin: germline.
Comment: This sequence change replaces cysteine, which is neutral and slightly polar, with tyrosine, which is neutral and polar, at codon 87 of the NOTCH1 protein (p.Cys87Tyr). This variant is not present in population databases (gnomAD no frequency). This variant has not been reported in the literature in individuals affected with NOTCH1-related conditions. Advanced modeling of protein sequence and biophysical properties (such as structural, functional, and spatial information, amino acid conservation, physicochemical variation, residue mobility, and thermodynamic stability) performed at Invitae indicates that this missense variant is expected to disrupt NOTCH1 protein function with a positive predictive value of 95%. In summary, the available evidence is currently insufficient to determine the role of this variant in disease. Therefore, it has been classified as a Variant of Uncertain Significance.